The following is an entry in ClinVar:

ClinVar aggregate classification (germline): Likely pathogenic (1 of 4 stars; one submission).

Submission:

Labcorp Genetics (formerly Invitae), Labcorp
Classification: Likely pathogenic. Last evaluated: 2025-05-23. Review status: criteria provided, single submitter. Criteria: Invitae Variant Classification Sherloc (09022015). Collection method: clinical testing. Allele origin: germline.
Comment: This sequence change affects an acceptor splice site in intron 11 of the ABCA4 gene. It is expected to disrupt RNA splicing. Variants that disrupt the donor or acceptor splice site typically lead to a loss of protein function (PMID: 16199547), and loss-of-function variants in ABCA4 are known to be pathogenic (PMID: 10958761, 24938718, 25312043, 26780318). This variant is not present in population databases (gnomAD no frequency). Disruption of this splice site has been observed in individual(s) with clinical features of Stargardt disease (internal data). ClinVar contains an entry for this variant (Variation ID: 1473474). Algorithms developed to predict the effect of sequence changes on RNA splicing suggest that this variant may disrupt the consensus splice site. In summary, the currently available evidence indicates that the variant is pathogenic, but additional data are needed to prove that conclusively. Therefore, this variant has been classified as Likely Pathogenic.

Literature cited by the submitters: PubMed 16199547; PubMed 10958761; PubMed 24938718; PubMed 25312043; PubMed 26780318.

NM_000350.3(ABCA4):c.1555-1G>T

Gene: ABCA4 (ATP binding cassette subfamily A member 4; minus strand). Cytogenetic location: 1p22.1.
Variant type: single nucleotide variant.
Coding change: c.1555-1G>T on transcript NM_000350.3 (MANE Select); the canonical splice acceptor site of the intron before coding-DNA position 1555, G replaced by T.
Molecular consequence: splice acceptor variant.
Genome position (GRCh38, 1-based): chr1:94,063,318, C>A on the plus strand (G>T on the coding strand, the complement: ABCA4 is on the minus strand). VCF-style: chr1-94063318-C-A. GRCh37 (hg19) VCF-style: chr1-94528874-C-A.
Identifiers: ClinVar variation 1473474 (VCV001473474.6), dbSNP rs61752394, ClinGen allele CA341280678.